The following is an entry in ClinVar:

NM_001851.6(COL9A1):c.725G>A (p.Cys242Tyr)

Gene: COL9A1 (collagen type IX alpha 1 chain; minus strand). Cytogenetic location: 6q13.
Variant type: single nucleotide variant.
Coding change: c.725G>A on transcript NM_001851.6 (MANE Select); coding-DNA position 725, G replaced by A.
Protein change: p.Cys242Tyr; replaces cysteine 242 with tyrosine.
Molecular consequence: missense variant.
Genome position (GRCh38, 1-based): chr6:70,283,792, C>T on the plus strand (G>A on the coding strand, the complement: COL9A1 is on the minus strand). VCF-style: chr6-70283792-C-T. GRCh37 (hg19) VCF-style: chr6-70993495-C-T.
Other names: c.725G>A, p.Cys242Tyr (NM_001377291.1); short protein forms C242Y.
Identifiers: ClinVar variation 1717555 (VCV001717555.5), dbSNP rs759301120, ClinGen allele CA3882734.

ClinVar aggregate classification (germline): Uncertain significance (1 of 4 stars; one submission).

Allele frequency attached by ClinVar (database versions not stated): gnomAD exomes below 0.00001; ExAC 0.00001.
gnomAD v4.1: 2 of 1,610,486 alleles (0.00012%); highest among the groups gnomAD compares: Non-Finnish European, 0.00017%; no homozygotes.

Submission:

Labcorp Genetics (formerly Invitae), Labcorp
Classification: Uncertain significance. Last evaluated: 2022-08-22. Review status: criteria provided, single submitter. Criteria: Invitae Variant Classification Sherloc (09022015). Collection method: clinical testing. Allele origin: germline.
Comment: Advanced modeling of protein sequence and biophysical properties (such as structural, functional, and spatial information, amino acid conservation, physicochemical variation, residue mobility, and thermodynamic stability) performed at Invitae indicates that this missense variant is not expected to disrupt COL9A1 protein function. In summary, the available evidence is currently insufficient to determine the role of this variant in disease. Therefore, it has been classified as a Variant of Uncertain Significance. This variant has not been reported in the literature in individuals affected with COL9A1-related conditions. This variant is present in population databases (rs759301120, gnomAD 0.0009%). This sequence change replaces cysteine, which is neutral and slightly polar, with tyrosine, which is neutral and polar, at codon 242 of the COL9A1 protein (p.Cys242Tyr).